The following is an entry in ClinVar:

ClinVar aggregate classification (germline): Conflicting classifications of pathogenicity. Review status: criteria provided, conflicting classifications (1 of 4 stars). 2 submissions from 2 submitters: Uncertain significance (1); Likely benign (1). Last evaluated 2024-11-28.

Conditions:
Epidermolysis bullosa simplex 5B, with muscular dystrophy (EBS5B). Also called: EPIDERMOLYSIS BULLOSA SIMPLEX AND LIMB-GIRDLE MUSCULAR DYSTROPHY; Epidermolysis bullosa simplex with muscular dystrophy. Identifiers: Orphanet 257, MedGen C2931072, MONDO:0009181, OMIM 226670.
Epidermolysis bullosa simplex, Ogna type (EBS5A). Also called: Pidermolysis bullosa simplex 5A, Ogna type; EPIDERMOLYSIS BULLOSA SIMPLEX 5A, OGNA TYPE. Identifiers: Orphanet 79401, MedGen C0432317, MONDO:0007555, OMIM 131950.
Autosomal recessive limb-girdle muscular dystrophy type 2Q (LGMDR17). Also called: MUSCULAR DYSTROPHY, LIMB-GIRDLE, AUTOSOMAL RECESSIVE 17. Identifiers: Orphanet 254361, MedGen C3150989, MONDO:0013390, OMIM 613723.
Epidermolysis bullosa simplex with nail dystrophy (EBS5D). Identifiers: MedGen C4225309, MONDO:0014661, OMIM 616487.
Epidermolysis bullosa simplex 5C, with pyloric atresia (EBS5C). Also called: PLEC1-Related Epidermolysis Bullosa with Pyloric Atresia; PLEC-Related Epidermolysis Bullosa with Pyloric Atresia; Epidermolysis bullosa simplex with pyloric atresia. Identifiers: Orphanet 158684, MedGen C2677349, MONDO:0012807, OMIM 612138.

Allele frequency attached by ClinVar (database versions not stated): ExAC 0.00001; gnomAD 0.00001; TOPMed 0.00001.
gnomAD v4.1: 21 of 1,608,924 alleles (0.0013%); highest among the groups gnomAD compares: South Asian, 0.0055%; no homozygotes.

Submissions (2):

Labcorp Genetics (formerly Invitae), Labcorp
Classification: Likely benign for Autosomal recessive limb-girdle muscular dystrophy type 2Q; Epidermolysis bullosa simplex, Ogna type; Epidermolysis bullosa simplex with nail dystrophy; Epidermolysis bullosa simplex 5C, with pyloric atresia; Epidermolysis bullosa simplex 5B, with muscular dystrophy. Last evaluated: 2024-11-28. Review status: criteria provided, single submitter. Criteria: Invitae Variant Classification Sherloc (09022015). Collection method: clinical testing. Allele origin: germline.

GeneDx
Classification: Uncertain significance. Last evaluated: 2019-07-26. Review status: criteria provided, single submitter. Criteria: GeneDx Variant Classification Process June 2021. Collection method: clinical testing. Allele origin: germline. Affected: yes.
Comment: Has not been previously published as pathogenic or benign to our knowledge; In-silico analysis, which includes splice predictors and evolutionary conservation, is inconclusive as to whether the variant alters gene splicing. In the absence of RNA/functional studies, the actual effect of this sequence change is unknown.

NM_201384.3(PLEC):c.2613-12C>G

Gene: PLEC (plectin; minus strand). Cytogenetic location: 8q24.3.
Variant type: single nucleotide variant.
Coding change: c.2613-12C>G on transcript NM_201384.3 (MANE Select); 12 bases into the intron before coding-DNA position 2613, C replaced by G.
Molecular consequence: intron variant.
Genome position (GRCh38, 1-based): chr8:143,930,074, G>C on the plus strand (C>G on the coding strand, the complement: PLEC is on the minus strand). VCF-style: chr8-143930074-G-C. GRCh37 (hg19) VCF-style: chr8-145004242-G-C.
Other names: c.2694-12C>G (NM_000445.5); c.2571-12C>G (NM_201378.4); c.2547-12C>G (NM_201379.3); c.3024-12C>G (NM_201380.4); c.2517-12C>G (NM_201381.3); c.2613-12C>G (NM_201382.4); c.2625-12C>G (NM_201383.3).
Identifiers: ClinVar variation 1307332 (VCV001307332.4), dbSNP rs782387123, ClinGen allele CA4927439.